The following is an entry in ClinVar:

NM_007294.4(BRCA1):c.2090T>G (p.Phe697Cys)

Gene: BRCA1 (BRCA1 DNA repair associated; minus strand). Cytogenetic location: 17q21.31.
Variant type: single nucleotide variant.
Coding change: c.2090T>G on transcript NM_007294.4 (MANE Select); coding-DNA position 2090, T replaced by G.
Protein change: p.Phe697Cys; replaces phenylalanine 697 with cysteine.
Molecular consequence: missense variant. On other transcripts: intron variant (137).
Genome position (GRCh38, 1-based): chr17:43,093,441, A>C on the plus strand (T>G on the coding strand, the complement: BRCA1 is on the minus strand). VCF-style: chr17-43093441-A-C. GRCh37 (hg19) VCF-style: chr17-41245458-A-C.
Other names: c.1949T>G, p.Phe650Cys (NM_001407850.1, NM_001407851.1, NM_001407852.1 and 29 more transcripts); c.1877T>G, p.Phe626Cys (NM_001407853.1, NM_001407894.1, NM_001407895.1 and 9 more transcripts); c.2090T>G, p.Phe697Cys (NM_001407858.1, NM_001407854.1, NM_001407859.1 and 30 more transcripts); c.1964T>G, p.Phe655Cys (NM_001407670.1, NM_001407671.1, NM_001407672.1 and 11 more transcripts); c.1967T>G, p.Phe656Cys (NM_001407674.1, NM_001407675.1, NM_001407676.1 and 19 more transcripts); c.1946T>G, p.Phe649Cys (NM_001407740.1, NM_001407741.1, NM_001407742.1 and 20 more transcripts); c.2087T>G, p.Phe696Cys (NM_001407860.1, NM_001407861.1, NM_001407587.1 and 22 more transcripts); c.1889T>G, p.Phe630Cys (NM_001407862.1); and 41 more; short protein forms F401C, F570C, F586C, F697C, F629C, F650C, F655C, F671C.
Identifiers: ClinVar variation 1785733 (VCV001785733.4), dbSNP rs730881476, ClinGen allele CA10597821.

ClinVar aggregate classification (germline): Conflicting classifications of pathogenicity. Review status: criteria provided, conflicting classifications (1 of 4 stars). 2 submissions from 2 submitters: Uncertain significance (1); Likely benign (1). Last evaluated 2023-03-23.

Conditions:
Hereditary cancer-predisposing syndrome. Also called: Neoplastic Syndromes, Hereditary; Tumor predisposition; Hereditary Cancer Syndrome; Hereditary neoplastic syndrome. Identifiers: Orphanet 140162, MedGen C0027672, MeSH D009386, MONDO:0015356.

Submissions (2):

University of Washington Department of Laboratory Medicine, University of Washington
Classification: Likely benign for Hereditary cancer-predisposing syndrome. Last evaluated: 2023-03-23. Review status: criteria provided, single submitter. Criteria: Dines et al. (Genet Med. 2020). Collection method: curation. Allele origin: germline.
Comment: Missense variant in a coldspot region where missense variants are very unlikely to be pathogenic (PMID:31911673).

BRCA1 coldspot (exon 11 using historical exon numbering). Reclassification based on statistical prior probability

Ambry Genetics
Classification: Uncertain significance for Hereditary cancer-predisposing syndrome. Last evaluated: 2021-11-17. Review status: criteria provided, single submitter. Criteria: Ambry Variant Classification Scheme 2023. Collection method: clinical testing. Allele origin: germline.
Comment: The p.F697C variant (also known as c.2090T>G), located in coding exon 9 of the BRCA1 gene, results from a T to G substitution at nucleotide position 2090. The phenylalanine at codon 697 is replaced by cysteine, an amino acid with highly dissimilar properties. This amino acid position is not well conserved in available vertebrate species. In addition, the in silico prediction for this alteration is inconclusive. Since supporting evidence is limited at this time, the clinical significance of this alteration remains unclear.